The following is an entry in ClinVar:

NM_016038.4(SBDS):c.379C>A (p.Pro127Thr)

Gene: SBDS (SBDS ribosome maturation factor; minus strand). Cytogenetic location: 7q11.21.
Variant type: single nucleotide variant.
Coding change: c.379C>A on transcript NM_016038.4 (MANE Select); coding-DNA position 379, C replaced by A.
Protein change: p.Pro127Thr; replaces proline 127 with threonine.
Molecular consequence: missense variant.
Genome position (GRCh38, 1-based): chr7:66,993,297, G>T on the plus strand (C>A on the coding strand, the complement: SBDS is on the minus strand). VCF-style: chr7-66993297-G-T. GRCh37 (hg19) VCF-style: chr7-66458284-G-T.
Other names: short protein forms P127T.
Identifiers: ClinVar variation 3792707 (VCV003792707.1).
Genomic context (GRCh38, chr7:66,993,297, plus strand): 5'-TGGTTTTCACCGAATAGTGGATGTCCTTCATGGCTCTCTCAATAAGGATCACGGTGTATG[G>T]TCTCTTTGTTTCAGGATTCACACATTTGTCTGCCACAATAGTTGCAATGTCCCTAAACAT-3'
Protein context (NP_057122.2, residues 117-137): DKCVNPETKR[Pro127Thr]YTVILIERAM

ClinVar aggregate classification (germline): Uncertain significance (1 of 4 stars; one submission).

Conditions:
Inborn genetic diseases. Identifiers: MedGen C0950123, MeSH D030342.

gnomAD v4.1: 1 of 1,614,056 alleles (0.000062%); highest among the groups gnomAD compares: South Asian, 0.0011%; no homozygotes.

Submission:

Ambry Genetics
Classification: Uncertain significance for Inborn genetic diseases. Last evaluated: 2025-01-05. Review status: criteria provided, single submitter. Criteria: Ambry Variant Classification Scheme 2023. Collection method: clinical testing. Allele origin: germline.
Comment: The p.P127T variant (also known as c.379C>A), located in coding exon 3 of the SBDS gene, results from a C to A substitution at nucleotide position 379. The proline at codon 127 is replaced by threonine, an amino acid with highly similar properties. This amino acid position is conserved. In addition, this alteration is predicted to be deleterious by in silico analysis. Based on the available evidence, the clinical significance of this variant remains unclear.